The following is an entry in ClinVar:

NM_003040.4(SLC4A2):c.320G>A (p.Arg107Gln)

Gene: SLC4A2 (solute carrier family 4 member 2; plus strand). Cytogenetic location: 7q36.1.
Variant type: single nucleotide variant.
Coding change: c.320G>A on transcript NM_003040.4 (MANE Select); coding-DNA position 320, G replaced by A.
Protein change: p.Arg107Gln; replaces arginine 107 with glutamine.
Molecular consequence: missense variant.
Genome position (GRCh38, 1-based): chr7:151,064,628, G>A. VCF-style: chr7-151064628-G-A. GRCh37 (hg19) VCF-style: chr7-150761715-G-A.
Other names: c.320G>A, p.Arg107Gln (NM_001199692.3); c.293G>A, p.Arg98Gln (NM_001199693.1); c.278G>A, p.Arg93Gln (NM_001199694.2); short protein forms R107Q, R93Q, R98Q.
Identifiers: ClinVar variation 2658176 (VCV002658176.24), dbSNP rs145741704, ClinGen allele CA4570788.

ClinVar aggregate classification (germline): Likely benign (1 of 4 stars; one submission).

Allele frequency attached by ClinVar (database versions not stated): ExAC 0.00155; 1000 Genomes Project 0.00180; 1000 Genomes Project 30x 0.00187; TOPMed 0.00190; gnomAD 0.00198; gnomAD exomes 0.00268; ESP Exome Variant Server 0.00269.
gnomAD v4.1: 4,255 of 1,613,592 alleles (0.26%); highest among the groups gnomAD compares: Non-Finnish European, 0.33%; 9 homozygotes.

Submission:

CeGaT Center for Human Genetics Tuebingen
Classification: Likely benign. Last evaluated: 2023-10-01. Review status: criteria provided, single submitter. Criteria: CeGaT Center For Human Genetics Tuebingen Variant Classification Criteria Version 2. Collection method: clinical testing. Allele origin: germline. Affected: yes. Observed: 1 variant allele.
Comment: SLC4A2: BS2